The following is an entry in ClinVar:

ClinVar aggregate classification (germline): Likely pathogenic. Review status: criteria provided, multiple submitters, no conflicts (2 of 4 stars). 4 submissions from 4 submitters: Likely pathogenic (2). 2 of the submissions do not count toward it. Last evaluated 2026-04-01.

Conditions:
DYNC2H1-related disorder. Also called: DYNC2H1-related disorders; DYNC2H1-related condition. Identifiers: MedGen CN378770.
Primary ciliary dyskinesia. Also called: Ciliary dyskinesia. Identifiers: Orphanet 244, MedGen C0008780, MONDO:0016575, HP:0012265.
Asphyxiating thoracic dystrophy 3. Also called: SHORT-RIB THORACIC DYSPLASIA 3 WITH OR WITHOUT POLYDACTYLY; POLYDACTYLY WITH NEONATAL CHONDRODYSTROPHY, TYPE I; SHORT-RIB THORACIC DYSPLASIA 3/6 WITH POLYDACTYLY, DIGENIC; Saldino-Noonan Syndrome; Short rib polydactyly syndrome 2B. Identifiers: Orphanet 474, Orphanet 93269, Orphanet 93270, Orphanet 93271, MedGen C0036069, MONDO:0013127, OMIM 613091.

Allele frequency attached by ClinVar (database versions not stated): gnomAD 0.00003 and 0.00004; gnomAD exomes 0.00003 and 0.00005; TOPMed 0.00005; ExAC 0.00007; ESP Exome Variant Server 0.00008.
gnomAD v4.1: 77 of 1,590,520 alleles (0.0048%); highest among the groups gnomAD compares: Non-Finnish European, 0.0063%; no homozygotes.

Submissions (4):

Department of Human Genetics, Hannover Medical School
Classification: Likely pathogenic for Primary Ciliary Dyskinesia. Last evaluated: 2026-04-01. Review status: criteria provided, single submitter. Criteria: ACMG Guidelines, 2015. Collection method: research. Allele origin: germline. Affected: no.
Comment: Classification performed by HerediClassify using the following criteria:['PM2_supporting: Variant occures does not occur as homozygous in gnomAD.', 'PVS1_protein_very_strong: Transcript ENST00000375735 is predicted to undergo NMD.']

Blueprint Genetics
Classification: Likely pathogenic for DYNC2H1-related disorders. Last evaluated: 2024-10-17. Review status: criteria provided, single submitter. Criteria: ACMG Guidelines, 2015. Collection method: clinical testing. Allele origin: germline. Affected: yes. Observed: 5 variant alleles.

Dan Cohn Lab, University Of California Los Angeles
Classification: Pathogenic for Asphyxiating thoracic dystrophy 3. Last evaluated: 2017-06-01. Review status: no assertion criteria provided. Collection method: research. Allele origin: unknown. Affected: yes. Not counted in ClinVar's aggregate classification.

University of Washington Center for Mendelian Genomics, University of Washington
Classification: Likely pathogenic for Asphyxiating thoracic dystrophy 3. Review status: no assertion criteria provided. Collection method: research. Allele origin: inherited. Affected: yes. Not counted in ClinVar's aggregate classification.

Literature cited by the submitters: PubMed 29068549 (cited by Dan Cohn Lab, University Of California Los Angeles and University of Washington Center for Mendelian Genomics, University of Washington).

NM_001377.3(DYNC2H1):c.8145C>A (p.Tyr2715Ter)

Gene: DYNC2H1 (dynein cytoplasmic 2 heavy chain 1; plus strand). Cytogenetic location: 11q22.3.
Variant type: single nucleotide variant.
Coding change: c.8145C>A on transcript NM_001377.3 (MANE Select); coding-DNA position 8145, C replaced by A.
Protein change: p.Tyr2715Ter; replaces tyrosine 2715 with a stop codon.
Molecular consequence: nonsense.
Genome position (GRCh38, 1-based): chr11:103,200,102, C>A. VCF-style: chr11-103200102-C-A. GRCh37 (hg19) VCF-style: chr11-103070831-C-A.
Other names: c.8145C>A, p.Tyr2715Ter (NM_001080463.2); short protein forms Y2715*.
Identifiers: ClinVar variation 446590 (VCV000446590.5), dbSNP rs371940321, ClinGen allele CA6254391.